The following is an entry in ClinVar:

ClinVar aggregate classification (germline): Uncertain significance. Review status: criteria provided, multiple submitters, no conflicts (2 of 4 stars). 3 submissions from 3 submitters: Uncertain significance (3). Last evaluated 2025-07-08.

Conditions:
Potassium-aggravated myotonia. Also called: MYOTONIA CONGENITA, ACETAZOLAMIDE-RESPONSIVE; MYOTONIA CONGENITA, ATYPICAL; SODIUM CHANNEL MUSCLE DISEASE; Myotonia congenita, atypical, acetazolamide-responsive. Identifiers: Orphanet 612, Orphanet 99734, Orphanet 99735, Orphanet 99736, MedGen C2931826, MONDO:0018959, OMIM 608390.
Hypokalemic periodic paralysis, type 2 (HOKPP2). Identifiers: Orphanet 681, MedGen C2750061, MONDO:0013234, OMIM 613345.
Paramyotonia congenita of Von Eulenburg. Also called: PARALYSIS PERIODICA PARAMYOTONICA; Paramyotonia Congenita; Eulenburg disease; Myotonia congenita intermittens; Von Eulenburg paramyotonia congenita. Identifiers: Orphanet 684, MedGen C0221055, MONDO:0008195, OMIM 168300. Disease mechanism: loss of function.
Hyperkalemic periodic paralysis. Also called: Familial hyperkalemic periodic paralysis; Gamstorp disease. Identifiers: Orphanet 682, MedGen C0238357, MONDO:0008224, OMIM 170500, HP:0007215.
Congenital myasthenic syndrome 16. Identifiers: Orphanet 590, MedGen C3280112, MONDO:0013620, OMIM 614198.
Congenital myopathy 22A, classic (CMYO22A). Identifiers: MedGen C5830453, MONDO:0957247, OMIM 620351.
Congenital myopathy 22B, severe fetal (CMYO22B). Identifiers: MedGen C5830501, MONDO:0957265, OMIM 620369.
Inborn genetic diseases. Identifiers: MedGen C0950123, MeSH D030342.

Allele frequency attached by ClinVar (database versions not stated): gnomAD exomes 0.00001; TOPMed 0.00009; gnomAD 0.00001.
gnomAD v4.1: 7 of 1,603,236 alleles (0.00044%); highest among the groups gnomAD compares: Admixed American, 0.01%; no homozygotes.

Submissions (3):

Labcorp Genetics (formerly Invitae), Labcorp
Classification: Uncertain significance for Hyperkalemic periodic paralysis. Last evaluated: 2025-07-08. Review status: criteria provided, single submitter. Criteria: Invitae Variant Classification Sherloc (09022015). Collection method: clinical testing. Allele origin: germline.
Comment: This sequence change replaces proline, which is neutral and non-polar, with threonine, which is neutral and polar, at codon 1823 of the SCN4A protein (p.Pro1823Thr). This variant is present in population databases (no rsID available, gnomAD 0.006%). This variant has not been reported in the literature in individuals affected with SCN4A-related conditions. ClinVar contains an entry for this variant (Variation ID: 645079). Invitae Evidence Modeling of protein sequence and biophysical properties (such as structural, functional, and spatial information, amino acid conservation, physicochemical variation, residue mobility, and thermodynamic stability) indicates that this missense variant is not expected to disrupt SCN4A protein function with a negative predictive value of 95%. In summary, the available evidence is currently insufficient to determine the role of this variant in disease. Therefore, it has been classified as a Variant of Uncertain Significance.

Ambry Genetics
Classification: Uncertain significance for Inborn genetic diseases. Last evaluated: 2025-04-13. Review status: criteria provided, single submitter. Criteria: Ambry Variant Classification Scheme 2023. Collection method: clinical testing. Allele origin: germline.

Fulgent Genetics
Classification: Uncertain significance for Paramyotonia congenita of Von Eulenburg; Hyperkalemic periodic paralysis; Potassium-aggravated myotonia; Hypokalemic periodic paralysis, type 2; Congenital myasthenic syndrome 16; Congenital myopathy 22A, classic; Congenital myopathy 22B, severe fetal. Last evaluated: 2024-05-21. Review status: criteria provided, single submitter. Criteria: ACMG Guidelines, 2015. Collection method: clinical testing. Allele origin: germline.

NM_000334.4(SCN4A):c.5467C>A (p.Pro1823Thr)

Genes: GH-LCR (growth hormone locus control region; plus strand), SCN4A (sodium voltage-gated channel alpha subunit 4; minus strand). Cytogenetic location: 17q23.3.
Variant type: single nucleotide variant.
Coding change: c.5467C>A on transcript NM_000334.4 (MANE Select); coding-DNA position 5467, C replaced by A.
Protein change: p.Pro1823Thr; replaces proline 1823 with threonine.
Molecular consequence: missense variant.
Genome position (GRCh38, 1-based): chr17:63,940,815, G>T on the plus strand (C>A on the coding strand, the complement: SCN4A is on the minus strand). VCF-style: chr17-63940815-G-T. GRCh37 (hg19) VCF-style: chr17-62018175-G-T.
Other names: short protein forms P1823T.
Identifiers: ClinVar variation 645079 (VCV000645079.11), dbSNP rs963907287, ClinGen allele CA292956023.
Genomic context (GRCh38, chr17:63,940,815, plus strand): 5'-ACCCCGATGCTGCCTGCTAGACAAGAGACTCCTTGACACCTGGGCGCACAGTCTGCCCTG[G>T]GGGAGGGGCGGGAGGCCAGGCAGTGTCTGAGGGGCTGATGGGCATCAGCCCCATAGTGGG-3'
Protein context (NP_000325.4, residues 1813-1833): SDTAWPPAPP[Pro1823Thr]GQTVRPGVKE